The following is an entry in ClinVar:

ClinVar aggregate classification (germline): Uncertain significance (1 of 4 stars; one submission).

Allele frequency attached by ClinVar (database versions not stated): TOPMed below 0.00001; ExAC 0.00001; gnomAD 0.00001; 1000 Genomes Project 30x 0.00016; 1000 Genomes Project 0.00020.
gnomAD v4.1: 20 of 1,611,680 alleles (0.0012%); highest among the groups gnomAD compares: Non-Finnish European, 0.0017%; no homozygotes.

Submission:

Labcorp Genetics (formerly Invitae), Labcorp
Classification: Uncertain significance. Last evaluated: 2024-03-04. Review status: criteria provided, single submitter. Criteria: Invitae Variant Classification Sherloc (09022015). Collection method: clinical testing. Allele origin: germline.
Comment: This sequence change replaces aspartic acid, which is acidic and polar, with glycine, which is neutral and non-polar, at codon 195 of the CD81 protein (p.Asp195Gly). This variant is present in population databases (rs184960624, gnomAD 0.002%). This variant has not been reported in the literature in individuals affected with CD81-related conditions. ClinVar contains an entry for this variant (Variation ID: 1985818). An algorithm developed to predict the effect of missense changes on protein structure and function (PolyPhen-2) suggests that this variant is likely to be tolerated. In summary, the available evidence is currently insufficient to determine the role of this variant in disease. Therefore, it has been classified as a Variant of Uncertain Significance.

NM_004356.4(CD81):c.584A>G (p.Asp195Gly)

Gene: CD81 (CD81 molecule; plus strand). Cytogenetic location: 11p15.5.
Variant type: single nucleotide variant.
Coding change: c.584A>G on transcript NM_004356.4 (MANE Select); coding-DNA position 584, A replaced by G.
Protein change: p.Asp195Gly; replaces aspartic acid 195 with glycine.
Molecular consequence: missense variant.
Genome position (GRCh38, 1-based): chr11:2,396,650, A>G. VCF-style: chr11-2396650-A-G. GRCh37 (hg19) VCF-style: chr11-2417880-A-G.
Other names: c.371A>G, p.Asp124Gly (NM_001297649.2); short protein forms D124G, D195G.
Identifiers: ClinVar variation 1985818 (VCV001985818.4), dbSNP rs184960624, ClinGen allele CA5820113.
Genomic context (GRCh38, chr11:2,396,650, plus strand): 5'-CCCGGTCCCTGACCACGCGTGCCTGGCCACCCCTGCAGGAGGACTGCCACCAGAAGATCG[A>G]TGACCTCTTCTCCGGGAAGCTGTACCTCATCGGCATTGCTGCCATCGTGGTCGCTGTGAT-3'
Protein context (NP_004347.1, residues 185-205): LFKEDCHQKI[Asp195Gly]DLFSGKLYLI